The following is an entry in ClinVar:

ClinVar aggregate classification (germline): Pathogenic. Review status: criteria provided, multiple submitters, no conflicts (2 of 4 stars). 2 submissions from 2 submitters: Pathogenic (2). Last evaluated 2024-05-20.

Conditions:
Hereditary spherocytosis type 1. Also called: Spherocytosis type 1; ANK1-Related Spherocytosis. Identifiers: Orphanet 822, MedGen C2674218, MONDO:0008447, OMIM 182900.

Submissions (2):

Revvity Omics, Revvity
Classification: Pathogenic for Hereditary spherocytosis type 1. Last evaluated: 2024-05-20. Review status: criteria provided, single submitter. Criteria: ACMG Guidelines, 2015. Collection method: clinical testing. Allele origin: germline.

Juno Genomics, Hangzhou Juno Genomics, Inc
Classification: Pathogenic for Hereditary spherocytosis type 1. Review status: criteria provided, single submitter. Criteria: ACMG Guidelines, 2015. Collection method: clinical testing. Allele origin: germline. Affected: yes.
Comment: Absent from controls (or at extremely low frequency if recessive) in Genome Aggregation Database.;Null variant in a gene where loss of function (LOF) is a known mechanism of disease.;The prevalence of the variant in affected individuals is significantly increased compared to the prevalence in controls.;Patient's phenotype or family history is highly specific for a disease with a single genetic etiology.

NM_000037.4(ANK1):c.4387_4390del (p.Asn1463fs)

Gene: ANK1 (ankyrin 1; minus strand). Cytogenetic location: 8p11.21.
Variant type: Deletion.
Coding change: c.4387_4390del on transcript NM_000037.4 (MANE Select); coding-DNA positions 4387 to 4390, 4 bases deleted (AACA; older notation c.4387_4390delAACA).
Protein change: p.Asn1463fs; shifts the reading frame from asparagine 1463.
Molecular consequence: frameshift variant.
Genome position (GRCh38, 1-based): chr8:41,686,152-41,686,155, TGTT deleted on the plus strand (AACA on the coding strand, the reverse complement: ANK1 is on the minus strand); deleting any 4 consecutive bases within chr8:41,686,152-41,686,157 gives the same sequence; the c. name uses the placement nearest the transcript's 3' end. VCF-style (leftmost placement, unchanged base first): chr8-41686151-CTGTT-C. GRCh37 (hg19) VCF-style: chr8-41543669-CTGTT-C.
Other names: c.4510_4513del, p.Asn1504fs (NM_001142446.2); c.4387_4390del, p.Asn1463fs (NM_020475.3, NM_020476.3, NM_020477.3); short protein forms N1463fs, N1504fs.
Identifiers: ClinVar variation 2435001 (VCV002435001.4), dbSNP rs868452063, ClinGen allele CA175923504.